The following is an entry in ClinVar:

ClinVar aggregate classification (germline): Uncertain significance (1 of 4 stars; one submission).

Allele frequency attached by ClinVar (database versions not stated): gnomAD exomes below 0.00001.
gnomAD v4.1: 1 of 1,614,222 alleles (0.000062%); highest among the groups gnomAD compares: Admixed American, 0.0017%; no homozygotes.

Submission:

Labcorp Genetics (formerly Invitae), Labcorp
Classification: Uncertain significance. Last evaluated: 2021-12-20. Review status: criteria provided, single submitter. Criteria: Invitae Variant Classification Sherloc (09022015). Collection method: clinical testing. Allele origin: germline.
Comment: This sequence change replaces glutamine, which is neutral and polar, with histidine, which is basic and polar, at codon 662 of the TWNK protein (p.Gln662His). In summary, the available evidence is currently insufficient to determine the role of this variant in disease. Therefore, it has been classified as a Variant of Uncertain Significance. Advanced modeling of protein sequence and biophysical properties (such as structural, functional, and spatial information, amino acid conservation, physicochemical variation, residue mobility, and thermodynamic stability) performed at Invitae indicates that this missense variant is not expected to disrupt TWNK protein function. This variant has not been reported in the literature in individuals affected with TWNK-related conditions. This variant is present in population databases (no rsID available, gnomAD 0.003%).

NM_021830.5(TWNK):c.1986G>C (p.Gln662His)

Gene: TWNK (twinkle mtDNA helicase; plus strand). Cytogenetic location: 10q24.31.
Variant type: single nucleotide variant.
Coding change: c.1986G>C on transcript NM_021830.5 (MANE Select); coding-DNA position 1986, G replaced by C.
Protein change: p.Gln662His; replaces glutamine 662 with histidine.
Molecular consequence: missense variant. On other transcripts: 3 prime UTR variant (2), non-coding transcript variant (5).
Genome position (GRCh38, 1-based): chr10:100,993,441, G>C. VCF-style: chr10-100993441-G-C. GRCh37 (hg19) VCF-style: chr10-102753198-G-C.
Other names: c.*281G>C (NM_001163812.2, NM_001163814.2); c.624G>C, p.Gln208His (NM_001163813.2, NM_001368275.1); short protein forms Q208H, Q662H.
Identifiers: ClinVar variation 1972876 (VCV001972876.5), dbSNP rs1454226423, ClinGen allele CA378212825.
Genomic context (GRCh38, chr10:100,993,441, plus strand): 5'-GGATGACACTGGACCAGTGGCCAAAAAGCCCTCTTCTGGCAAAAAGGGGGCTACGACACA[G>C]AACTCTGAGATTTGCTCAGGCCAGGCCCCCACTCCCGACCAGCCAGACACCTCCAAGCGT-3'
Protein context (NP_068602.2, residues 652-672): PSSGKKGATT[Gln662His]NSEICSGQAP